The following is an entry in ClinVar:

ClinVar aggregate classification (germline): Uncertain significance. Review status: criteria provided, multiple submitters, no conflicts (2 of 4 stars). 2 submissions from 2 submitters: Uncertain significance (2). Last evaluated 2024-05-14.

Conditions:
Hypertrophic cardiomyopathy 9. Also called: Familial hypertrophic cardiomyopathy 9. Identifiers: MedGen C1861065, MONDO:0013412, OMIM 613765.
Tibial muscular dystrophy (TMD). Also called: Udd Distal Myopathy – Tibial Muscular Dystrophy; UDD MYOPATHY; Tibial muscular dystrophy, tardive. Identifiers: Orphanet 609, MedGen C1838244, MONDO:0010870, OMIM 600334.
Autosomal recessive limb-girdle muscular dystrophy type 2J (LGMDR10). Also called: MUSCULAR DYSTROPHY, LIMB-GIRDLE, AUTOSOMAL RECESSIVE 10; Limb-girdle muscular dystrophy, type 2J. Identifiers: Orphanet 140922, MedGen C1837342, MONDO:0012127, OMIM 608807.
Early-onset myopathy with fatal cardiomyopathy (CMYO5). Also called: CONGENITAL MYOPATHY 5 WITH CARDIOMYOPATHY; Salih Myopathy. Identifiers: Orphanet 289377, MedGen C2673677, MONDO:0012714, OMIM 611705. Disease mechanism: loss of function.
Myopathy, myofibrillar, 9, with early respiratory failure (MFM9). Also called: Myopathy, distal, with early respiratory failure, autosomal dominant; Hereditary myopathy with early respiratory failure; EDSTROM MYOPATHY; MYOPATHY, PROXIMAL, WITH EARLY RESPIRATORY MUSCLE INVOLVEMENT. Identifiers: Orphanet 178464, Orphanet 34521, MedGen C1863599, MONDO:0011362, OMIM 603689.
Dilated cardiomyopathy 1G (CMD1G). Identifiers: Orphanet 154, MedGen C1858763, MONDO:0011400, OMIM 604145.

gnomAD v4.1: 19 of 1,607,810 alleles (0.0012%); highest among the groups gnomAD compares: Middle Eastern, 0.05%; no homozygotes.

Submissions (2):

Fulgent Genetics
Classification: Uncertain significance for Tibial muscular dystrophy; Myopathy, myofibrillar, 9, with early respiratory failure; Dilated cardiomyopathy 1G; Autosomal recessive limb-girdle muscular dystrophy type 2J; Early-onset myopathy with fatal cardiomyopathy; Hypertrophic cardiomyopathy 9. Last evaluated: 2024-05-14. Review status: criteria provided, single submitter. Criteria: ACMG Guidelines, 2015. Collection method: clinical testing. Allele origin: germline.

Athena Diagnostics
Classification: Uncertain significance. Last evaluated: 2024-02-02. Review status: criteria provided, single submitter. Criteria: Athena Diagnostics Criteria. Collection method: clinical testing. Allele origin: unknown.
Comment: Available data are insufficient to determine the clinical significance of the variant at this time. The frequency of this variant in the general population is uninformative in assessment of its pathogenicity. Computational tools yielded inconclusive predictions regarding the effect of this variant on RNA splicing.

NM_001267550.2(TTN):c.30224-8T>A

Gene: TTN (titin; minus strand). Cytogenetic location: 2q31.2.
Variant type: single nucleotide variant.
Coding change: c.30224-8T>A on transcript NM_001267550.2 (MANE Select); 8 bases into the intron before coding-DNA position 30224, T replaced by A.
Molecular consequence: intron variant.
Genome position (GRCh38, 1-based): chr2:178,702,671, A>T on the plus strand (T>A on the coding strand, the complement: TTN is on the minus strand). VCF-style: chr2-178702671-A-T. GRCh37 (hg19) VCF-style: chr2-179567398-A-T.
Other names: c.13282+35411T>A (NM_003319.4); c.13858+35411T>A (NM_133437.4); c.13657+35411T>A (NM_133432.3); c.26492-8T>A (NM_133378.4); c.29273-8T>A (NM_001256850.1).
Identifiers: ClinVar variation 3556125 (VCV003556125.2).